The following is an entry in ClinVar:

ClinVar aggregate classification (germline): Uncertain significance. Review status: criteria provided, single submitter (1 of 4 stars). 2 submissions from 2 submitters: Uncertain significance (1). 1 of the submissions does not count toward it. Last evaluated 2022-03-10.

Conditions:
Cohen syndrome (COH1). Also called: PEPPER SYNDROME; Cutis verticis gyrata, retinitis pigmentosa, and sensorineural deafness. Identifiers: Orphanet 193, MedGen C0265223, MONDO:0008999, OMIM 216550.

Allele frequency attached by ClinVar (database versions not stated): gnomAD 0.00001; TOPMed 0.00001.
gnomAD v4.1: 1 of 1,606,754 alleles (0.000062%); highest among the groups gnomAD compares: African/African-American, 0.0013%; no homozygotes.

Submissions (2):

Labcorp Genetics (formerly Invitae), Labcorp
Classification: Uncertain significance for Cohen syndrome. Last evaluated: 2022-03-10. Review status: criteria provided, single submitter. Criteria: Invitae Variant Classification Sherloc (09022015). Collection method: clinical testing. Allele origin: germline.
Comment: This sequence change replaces glutamine, which is neutral and polar, with histidine, which is basic and polar, at codon 407 of the VPS13B protein (p.Gln407His). The frequency data for this variant in the population databases is considered unreliable, as metrics indicate poor data quality at this position in the gnomAD database. This variant has not been reported in the literature in individuals affected with VPS13B-related conditions. ClinVar contains an entry for this variant (Variation ID: 1001339). Algorithms developed to predict the effect of missense changes on protein structure and function are either unavailable or do not agree on the potential impact of this missense change (SIFT: "Not Available"; PolyPhen-2: "Possibly Damaging"; Align-GVGD: "Not Available"). In summary, the available evidence is currently insufficient to determine the role of this variant in disease. Therefore, it has been classified as a Variant of Uncertain Significance.

Natera, Inc.
Classification: Uncertain significance for Cohen syndrome. Last evaluated: 2021-06-22. Review status: no assertion criteria provided. Collection method: clinical testing. Allele origin: germline. Not counted in ClinVar's aggregate classification.

NM_152564.5(VPS13B):c.1221A>C (p.Gln407His)

Gene: VPS13B (vacuolar protein sorting 13 homolog B; plus strand). Cytogenetic location: 8q22.2.
Variant type: single nucleotide variant.
Coding change: c.1221A>C on transcript NM_152564.5 (MANE Select); coding-DNA position 1221, A replaced by C.
Protein change: p.Gln407His; replaces glutamine 407 with histidine.
Molecular consequence: missense variant.
Genome position (GRCh38, 1-based): chr8:99,134,646, A>C. VCF-style: chr8-99134646-A-C. GRCh37 (hg19) VCF-style: chr8-100146874-A-C.
Other names: c.1221A>C, p.Gln407His (NM_015243.3, NM_017890.5); short protein forms Q407H.
Identifiers: ClinVar variation 1001339 (VCV001001339.9), dbSNP rs1269344604, ClinGen allele CA371861893.